The following is an entry in ClinVar:

ClinVar aggregate classification (germline): Uncertain significance (1 of 4 stars; one submission).

Conditions:
Werner syndrome (WRN). Identifiers: Orphanet 902, MedGen C0043119, MONDO:0010196, OMIM 277700.

gnomAD v4.1: 10 of 1,608,132 alleles (0.00062%); highest among the groups gnomAD compares: African/African-American, 0.011%; no homozygotes.

Submission:

Labcorp Genetics (formerly Invitae), Labcorp
Classification: Uncertain significance for Werner syndrome. Last evaluated: 2023-11-11. Review status: criteria provided, single submitter. Criteria: Invitae Variant Classification Sherloc (09022015). Collection method: clinical testing. Allele origin: germline.
Comment: This sequence change replaces arginine, which is basic and polar, with leucine, which is neutral and non-polar, at codon 637 of the WRN protein (p.Arg637Leu). This variant is present in population databases (no rsID available, gnomAD 0.04%). This variant has not been reported in the literature in individuals affected with WRN-related conditions. ClinVar contains an entry for this variant (Variation ID: 1062736). An algorithm developed to predict the effect of missense changes on protein structure and function (PolyPhen-2) suggests that this variant is likely to be disruptive. In summary, the available evidence is currently insufficient to determine the role of this variant in disease. Therefore, it has been classified as a Variant of Uncertain Significance.

NM_000553.6(WRN):c.1910G>T (p.Arg637Leu)

Gene: WRN (WRN RecQ like helicase; plus strand). Cytogenetic location: 8p12.
Variant type: single nucleotide variant.
Coding change: c.1910G>T on transcript NM_000553.6 (MANE Select); coding-DNA position 1910, G replaced by T.
Protein change: p.Arg637Leu; replaces arginine 637 with leucine.
Molecular consequence: missense variant.
Genome position (GRCh38, 1-based): chr8:31,096,779, G>T. VCF-style: chr8-31096779-G-T. GRCh37 (hg19) VCF-style: chr8-30954295-G-T.
Other names: short protein forms R637L.
Identifiers: ClinVar variation 1062736 (VCV001062736.4), dbSNP rs1287408422, ClinGen allele CA370929591.